The following is an entry in ClinVar:

ClinVar aggregate classification (germline): Uncertain significance (1 of 4 stars; one submission).

Conditions:
Werner syndrome (WRN). Identifiers: Orphanet 902, MedGen C0043119, MONDO:0010196, OMIM 277700.

Submission:

Labcorp Genetics (formerly Invitae), Labcorp
Classification: Uncertain significance for Werner syndrome. Last evaluated: 2023-04-23. Review status: criteria provided, single submitter. Criteria: Invitae Variant Classification Sherloc (09022015). Collection method: clinical testing. Allele origin: germline.
Comment: This variant has not been reported in the literature in individuals affected with WRN-related conditions. This variant is not present in population databases (gnomAD no frequency). Algorithms developed to predict the effect of missense changes on protein structure and function output the following: SIFT: "Not Available"; PolyPhen-2: "Benign"; Align-GVGD: "Not Available". The lysine amino acid residue is found in multiple mammalian species, which suggests that this missense change does not adversely affect protein function. In summary, the available evidence is currently insufficient to determine the role of this variant in disease. Therefore, it has been classified as a Variant of Uncertain Significance. This sequence change replaces glutamic acid, which is acidic and polar, with lysine, which is basic and polar, at codon 335 of the WRN protein (p.Glu335Lys).

NM_000553.6(WRN):c.1003G>A (p.Glu335Lys)

Gene: WRN (WRN RecQ like helicase; plus strand). Cytogenetic location: 8p12.
Variant type: single nucleotide variant.
Coding change: c.1003G>A on transcript NM_000553.6 (MANE Select); coding-DNA position 1003, G replaced by A.
Protein change: p.Glu335Lys; replaces glutamic acid 335 with lysine.
Molecular consequence: missense variant.
Genome position (GRCh38, 1-based): chr8:31,081,030, G>A. VCF-style: chr8-31081030-G-A. GRCh37 (hg19) VCF-style: chr8-30938546-G-A.
Other names: short protein forms E335K.
Identifiers: ClinVar variation 2720895 (VCV002720895.3), dbSNP rs2535910363, ClinGen allele CA370920206.